The following is an entry in ClinVar:

NM_031372.4(HNRNPDL):c.107G>T (p.Arg36Leu)

Gene: HNRNPDL (heterogeneous nuclear ribonucleoprotein D like; minus strand). Cytogenetic location: 4q21.22.
Variant type: single nucleotide variant.
Coding change: c.107G>T on transcript NM_031372.4 (MANE Select); coding-DNA position 107, G replaced by T.
Protein change: p.Arg36Leu; replaces arginine 36 with leucine.
Molecular consequence: missense variant. On other transcripts: non-coding transcript variant (1).
Genome position (GRCh38, 1-based): chr4:82,429,584, C>A on the plus strand (G>T on the coding strand, the complement: HNRNPDL is on the minus strand). VCF-style: chr4-82429584-C-A. GRCh37 (hg19) VCF-style: chr4-83350737-C-A.
Other names: c.107G>T, p.Arg36Leu (NM_001207000.1); short protein forms R36L.
Identifiers: ClinVar variation 464377 (VCV000464377.10), dbSNP rs1289857424, ClinGen allele CA357173575.
Genomic context (GRCh38, chr4:82,429,584, plus strand): 5'-CGGCGCGCCCCCTGCCGGGCGGAGCTGGGAGCGAGCGAAGGGAGGAGCGGGGCTAGCTGC[C>A]GCGGCGGCCGCGGCCGCCAATGGGAGAGGCTGCGGGAGGCTAAAGTAGCGGGAGCGGAGG-3'
Protein context (NP_112740.1, residues 26-46): SLSHWRPRPP[Arg36Leu]QLAPLLPSLA

ClinVar aggregate classification (germline): Uncertain significance. Review status: criteria provided, multiple submitters, no conflicts (2 of 4 stars). 2 submissions from 2 submitters: Uncertain significance (2). Last evaluated 2025-11-28.

Conditions:
Autosomal dominant limb-girdle muscular dystrophy type 1G (LGMDD3). Also called: Limb-girdle muscular dystrophy, type 1G; MUSCULAR DYSTROPHY, LIMB-GIRDLE, AUTOSOMAL DOMINANT 3. Identifiers: Orphanet 55596, MedGen C1836765, MONDO:0012193, OMIM 609115.

Allele frequency attached by ClinVar (database versions not stated): gnomAD exomes 0.00008.
gnomAD v4.1: 3 of 1,376,714 alleles (0.00022%); highest among the groups gnomAD compares: Admixed American, 0.012%; no homozygotes.

Submissions (2):

Labcorp Genetics (formerly Invitae), Labcorp
Classification: Uncertain significance for Autosomal dominant limb-girdle muscular dystrophy type 1G. Last evaluated: 2025-11-28. Review status: criteria provided, single submitter. Criteria: Invitae Variant Classification Sherloc (09022015). Collection method: clinical testing. Allele origin: germline.
Comment: This sequence change replaces arginine, which is basic and polar, with leucine, which is neutral and non-polar, at codon 36 of the HNRNPDL protein (p.Arg36Leu). The frequency data for this variant in the population databases is considered unreliable, as metrics indicate poor data quality at this position in the gnomAD database. This variant has not been reported in the literature in individuals affected with HNRNPDL-related conditions. ClinVar contains an entry for this variant (Variation ID: 464377). An algorithm developed to predict the effect of missense changes on protein structure and function (PolyPhen-2) suggests that this variant is likely to be tolerated. In summary, the available evidence is currently insufficient to determine the role of this variant in disease. Therefore, it has been classified as a Variant of Uncertain Significance.

Ambry Genetics
Classification: Uncertain significance. Last evaluated: 2025-08-21. Review status: criteria provided, single submitter. Criteria: Ambry Variant Classification Scheme 2023. Collection method: clinical testing. Allele origin: germline.